The following is an entry in ClinVar:

NM_032043.3(BRIP1):c.3512T>C (p.Phe1171Ser)

Gene: BRIP1 (BRCA1 interacting DNA helicase 1; minus strand). Cytogenetic location: 17q23.2.
Variant type: single nucleotide variant.
Coding change: c.3512T>C on transcript NM_032043.3 (MANE Select); coding-DNA position 3512, T replaced by C.
Protein change: p.Phe1171Ser; replaces phenylalanine 1171 with serine.
Molecular consequence: missense variant.
Genome position (GRCh38, 1-based): chr17:61,683,534, A>G on the plus strand (T>C on the coding strand, the complement: BRIP1 is on the minus strand). VCF-style: chr17-61683534-A-G. GRCh37 (hg19) VCF-style: chr17-59760895-A-G.
Other names: short protein forms F1171S.
Identifiers: ClinVar variation 241656 (VCV000241656.11), dbSNP rs878855155, ClinGen allele CA10583611.

ClinVar aggregate classification (germline): Uncertain significance. Review status: criteria provided, multiple submitters, no conflicts (2 of 4 stars). 3 submissions from 3 submitters: Uncertain significance (3). Last evaluated 2024-09-25.

Conditions:
Hereditary cancer-predisposing syndrome. Also called: Neoplastic Syndromes, Hereditary; Tumor predisposition; Hereditary neoplastic syndrome; Hereditary Cancer Syndrome. Identifiers: Orphanet 140162, MedGen C0027672, MeSH D009386, MONDO:0015356.
Familial cancer of breast. Also called: BREAST CANCER, FAMILIAL; Hereditary breast cancer; hereditary breast carcinoma. Identifiers: Orphanet 227535, MedGen C0346153, MONDO:0016419, OMIM 114480. Disease mechanism: loss of function.
Fanconi anemia complementation group J. Also called: BRIP1-Related Fanconi Anemia. Identifiers: Orphanet 84, MedGen C1836860, MONDO:0012187, OMIM 609054.

Allele frequency attached by ClinVar (database versions not stated): TOPMed 0.00001.

Submissions (3):

Labcorp Genetics (formerly Invitae), Labcorp
Classification: Uncertain significance for Familial cancer of breast; Fanconi anemia complementation group J. Last evaluated: 2024-09-25. Review status: criteria provided, single submitter. Criteria: Invitae Variant Classification Sherloc (09022015). Collection method: clinical testing. Allele origin: germline.
Comment: This sequence change replaces phenylalanine, which is neutral and non-polar, with serine, which is neutral and polar, at codon 1171 of the BRIP1 protein (p.Phe1171Ser). This variant is not present in population databases (gnomAD no frequency). This variant has not been reported in the literature in individuals affected with BRIP1-related conditions. ClinVar contains an entry for this variant (Variation ID: 241656). An algorithm developed to predict the effect of missense changes on protein structure and function outputs the following: PolyPhen-2: "Benign". The serine amino acid residue is found in multiple mammalian species, which suggests that this missense change does not adversely affect protein function. In summary, the available evidence is currently insufficient to determine the role of this variant in disease. Therefore, it has been classified as a Variant of Uncertain Significance.

Ambry Genetics
Classification: Uncertain significance for Hereditary cancer-predisposing syndrome. Last evaluated: 2024-03-25. Review status: criteria provided, single submitter. Criteria: Ambry Variant Classification Scheme 2023. Collection method: clinical testing. Allele origin: germline.
Comment: The p.F1171S variant (also known as c.3512T>C), located in coding exon 19 of the BRIP1 gene, results from a T to C substitution at nucleotide position 3512. The phenylalanine at codon 1171 is replaced by serine, an amino acid with highly dissimilar properties. This amino acid position is conserved. In addition, this alteration is predicted to be tolerated by in silico analysis. Based on the available evidence, the clinical significance of this alteration remains unclear.

GeneDx
Classification: Uncertain significance. Last evaluated: 2022-11-15. Review status: criteria provided, single submitter. Criteria: GeneDx Variant Classification Process June 2021. Collection method: clinical testing. Allele origin: germline. Affected: yes.
Comment: Not observed at significant frequency in large population cohorts (gnomAD); In silico analysis supports that this missense variant does not alter protein structure/function; Has not been previously published as pathogenic or benign to our knowledge